The following is an entry in ClinVar:

ClinVar aggregate classification (germline): Likely pathogenic (1 of 4 stars; one submission).

Conditions:
Autosomal recessive polycystic kidney disease (ARPKD). Also called: AR polycystic kidney disease. Identifiers: Orphanet 731, Orphanet 8378, MedGen C0085548, MeSH D017044, MONDO:0009889.

Submission:

Natera, Inc.
Classification: Likely pathogenic for Autosomal recessive polycystic kidney disease. Last evaluated: 2025-09-17. Review status: criteria provided, single submitter. Criteria: Natera Variant Classification Schema (03/2026). Collection method: clinical testing. Allele origin: germline.
Comment: The c.633_642delGACTCTGCAG variant in PKHD1 is a frameshift variant predicted to shift the reading frame beginning at codon 212 and leads to a stop codon 31 codons downstream. This variant is expected to result in nonsense mediated decay, truncation, or a dysfunctional protein product. This variant is rare in the general population with a frequency below the threshold expected for the associated phenotype(s). Given the available evidence, this variant is classified as Likely Pathogenic.

NM_138694.4(PKHD1):c.633_642del (p.Thr212fs)

Gene: PKHD1 (PKHD1 ciliary IPT domain containing fibrocystin/polyductin; minus strand). Cytogenetic location: 6p12.2.
Variant type: Deletion.
Coding change: c.633_642del on transcript NM_138694.4 (MANE Select); coding-DNA positions 633 to 642, 10 bases deleted (GACTCTGCAG; older notation c.633_642delGACTCTGCAG).
Protein change: p.Thr212fs; shifts the reading frame from threonine 212.
Molecular consequence: frameshift variant.
Genome position (GRCh38, 1-based): chr6:52,071,031-52,071,040, CTGCAGAGTC deleted on the plus strand (GACTCTGCAG on the coding strand, the reverse complement: PKHD1 is on the minus strand); deleting any 10 consecutive bases within chr6:52,071,031-52,071,041 gives the same sequence; the c. name uses the placement nearest the transcript's 3' end. VCF-style (leftmost placement, unchanged base first): chr6-52071030-ACTGCAGAGTC-A. GRCh37 (hg19) VCF-style: chr6-51935828-ACTGCAGAGTC-A.
Other names: c.633_642del, p.Thr212fs (NM_170724.3); short protein forms T212fs.
Identifiers: ClinVar variation 4816714 (VCV004816714.1).